The following is an entry in ClinVar:

NM_000203.5(IDUA):c.579G>A (p.Met193Ile)

Gene: IDUA (alpha-L-iduronidase; plus strand). Cytogenetic location: 4p16.3.
Variant type: single nucleotide variant.
Coding change: c.579G>A on transcript NM_000203.5 (MANE Select); coding-DNA position 579, G replaced by A.
Protein change: p.Met193Ile; replaces methionine 193 with isoleucine.
Molecular consequence: missense variant. On other transcripts: non-coding transcript variant (1).
Genome position (GRCh38, 1-based): chr4:1,001,553, G>A. VCF-style: chr4-1001553-G-A. GRCh37 (hg19) VCF-style: chr4-995341-G-A.
Other names: c.183G>A, p.Met61Ile (NM_001363576.1); short protein forms M193I, M61I.
Identifiers: ClinVar variation 1393023 (VCV001393023.10), dbSNP rs2153021918, ClinGen allele CA355961816.
Genomic context (GRCh38, chr4:1,001,553, plus strand): 5'-CAAGTGGAACTTCGAGACGTGGAATGAGCCAGACCACCACGACTTTGACAACGTCTCCAT[G>A]ACCATGCAAGGTGTGCACCGCTTCCTGGGGTCCTGCCCGGCTGAAAGGGGGCAGAGGAAG-3'
Protein context (NP_000194.2, residues 183-203): PDHHDFDNVS[Met193Ile]TMQGFLNYYD

ClinVar aggregate classification (germline): Uncertain significance. Review status: criteria provided, multiple submitters, no conflicts (2 of 4 stars). 2 submissions from 2 submitters: Uncertain significance (2). Last evaluated 2022-10-05.

Conditions:
Mucopolysaccharidosis type 1. Also called: IDUA deficiency; MPS I. Identifiers: Orphanet 579, MedGen C0023786, MONDO:0001586.

Submissions (2):

Revvity Omics, Revvity
Classification: Uncertain significance. Last evaluated: 2022-10-05. Review status: criteria provided, single submitter. Criteria: ACMG Guidelines, 2015. Collection method: clinical testing. Allele origin: germline.

Labcorp Genetics (formerly Invitae), Labcorp
Classification: Uncertain significance for Mucopolysaccharidosis type 1. Last evaluated: 2022-07-18. Review status: criteria provided, single submitter. Criteria: Invitae Variant Classification Sherloc (09022015). Collection method: clinical testing. Allele origin: germline.
Comment: This sequence change replaces methionine, which is neutral and non-polar, with isoleucine, which is neutral and non-polar, at codon 193 of the IDUA protein (p.Met193Ile). This variant is not present in population databases (gnomAD no frequency). This variant has not been reported in the literature in individuals affected with IDUA-related conditions. ClinVar contains an entry for this variant (Variation ID: 1393023). Algorithms developed to predict the effect of missense changes on protein structure and function are either unavailable or do not agree on the potential impact of this missense change (SIFT: "Tolerated"; PolyPhen-2: "Probably Damaging"; Align-GVGD: "Class C0"). In summary, the available evidence is currently insufficient to determine the role of this variant in disease. Therefore, it has been classified as a Variant of Uncertain Significance.